The following is an entry in ClinVar:

NM_000535.7(PMS2):c.1534G>T (p.Gly512Cys)

Gene: PMS2 (PMS1 homolog 2, mismatch repair system component; minus strand). Cytogenetic location: 7p22.1.
Variant type: single nucleotide variant.
Coding change: c.1534G>T on transcript NM_000535.7 (MANE Select); coding-DNA position 1534, G replaced by T.
Protein change: p.Gly512Cys; replaces glycine 512 with cysteine.
Molecular consequence: missense variant. On other transcripts: non-coding transcript variant (1).
Genome position (GRCh38, 1-based): chr7:5,987,231, C>A on the plus strand (G>T on the coding strand, the complement: PMS2 is on the minus strand). VCF-style: chr7-5987231-C-A. GRCh37 (hg19) VCF-style: chr7-6026862-C-A.
Other names: c.1129G>T, p.Gly377Cys (NM_001322003.2, NM_001322004.2, NM_001322005.2 and 1 more transcripts); c.1378G>T, p.Gly460Cys (NM_001322006.2); c.1216G>T, p.Gly406Cys (NM_001322007.2, NM_001322008.2); c.973G>T, p.Gly325Cys (NM_001322010.2); c.601G>T, p.Gly201Cys (NM_001322011.2, NM_001322012.2); c.961G>T, p.Gly321Cys (NM_001322013.2); c.1534G>T, p.Gly512Cys (NM_001322014.2); c.1225G>T, p.Gly409Cys (NM_001322015.2); short protein forms G201C, G321C, G325C, G377C, G406C, G409C, G460C, G512C.
Identifiers: ClinVar variation 1316455 (VCV001316455.12), dbSNP rs1060503127, ClinGen allele CA366741646.
Genomic context (GRCh38, chr7:5,987,231, plus strand): 5'-GTTCCTGCGAGCCCCTGTCCCCTGGGGAGCTGGCCGCATACTCGCTGCTGCAGTGACTGC[C>A]CGTGTCTGGGATGCTGAACCCCTCAGAATCCACGGAAGTGCTGCCGTGCCCCGAGTCCTT-3'
Protein context (NP_000526.2, residues 502-522): DSEGFSIPDT[Gly512Cys]SHCSSEYAAS

ClinVar aggregate classification (germline): Uncertain significance. Review status: criteria provided, multiple submitters, no conflicts (2 of 4 stars). 4 submissions from 4 submitters: Uncertain significance (4). Last evaluated 2026-01-06.

Conditions:
Hereditary nonpolyposis colorectal neoplasms. Identifiers: MedGen C0009405, MeSH D003123.
Hereditary cancer-predisposing syndrome. Also called: Hereditary neoplastic syndrome; Neoplastic Syndromes, Hereditary; Tumor predisposition; Hereditary Cancer Syndrome. Identifiers: Orphanet 140162, MedGen C0027672, MeSH D009386, MONDO:0015356.
Lynch syndrome. Identifiers: Orphanet 144, MedGen C4552100, MONDO:0005835. Disease mechanism: loss of function.

Allele frequency attached by ClinVar (database versions not stated): gnomAD exomes below 0.00001.
gnomAD v4.1: 2 of 1,614,086 alleles (0.00012%); highest among the groups gnomAD compares: Non-Finnish European, 0.00017%; no homozygotes.

Submissions (4):

Labcorp Genetics (formerly Invitae), Labcorp
Classification: Uncertain significance for Hereditary nonpolyposis colorectal neoplasms. Last evaluated: 2026-01-06. Review status: criteria provided, single submitter. Criteria: Invitae Variant Classification Sherloc (09022015). Collection method: clinical testing. Allele origin: germline.
Comment: This sequence change replaces glycine, which is neutral and non-polar, with cysteine, which is neutral and slightly polar, at codon 512 of the PMS2 protein (p.Gly512Cys). This variant is not present in population databases (gnomAD no frequency). This variant has not been reported in the literature in individuals affected with PMS2-related conditions. ClinVar contains an entry for this variant (Variation ID: 1316455). Invitae Evidence Modeling incorporating data from in vitro experimental studies (internal data) indicates that this missense variant is not expected to disrupt PMS2 function with a negative predictive value of 95%. In summary, the available evidence is currently insufficient to determine the role of this variant in disease. Therefore, it has been classified as a Variant of Uncertain Significance.

All of Us Research Program, National Institutes of Health
Classification: Uncertain significance for Lynch syndrome. Last evaluated: 2024-05-14. Review status: criteria provided, single submitter. Criteria: ACMG Guidelines, 2015. Collection method: clinical testing. Allele origin: germline. Inheritance: Autosomal dominant inheritance. Observed: 1 variant allele, 1 heterozygote.
Comment: This missense variant replaces glycine with cysteine at codon 512 of the PMS2 protein. Computational prediction suggests that this variant may not impact protein structure and function (internally defined REVEL score threshold <= 0.5, PMID: 27666373). To our knowledge, functional studies have not been reported for this variant. This variant has not been reported in individuals affected with PMS2-related disorders in the literature. This variant has not been identified in the general population by the Genome Aggregation Database (gnomAD). The available evidence is insufficient to determine the role of this variant in disease conclusively. Therefore, this variant is classified as a Variant of Uncertain Significance.

This study involves interpretation of variants in research participants for the purpose of population health screening. Participant phenotype was not available at the time of variant classification. Additional details can be found in publication PMID: 35346344, PMCID: PMC8962531

Ambry Genetics
Classification: Uncertain significance for Hereditary cancer-predisposing syndrome. Last evaluated: 2021-04-07. Review status: criteria provided, single submitter. Criteria: Ambry Variant Classification Scheme 2023. Collection method: clinical testing. Allele origin: germline.
Comment: The p.G512C variant (also known as c.1534G>T), located in coding exon 11 of the PMS2 gene, results from a G to T substitution at nucleotide position 1534. The glycine at codon 512 is replaced by cysteine, an amino acid with highly dissimilar properties. This amino acid position is poorly conserved in available vertebrate species. In addition, this alteration is predicted to be tolerated by in silico analysis. Since supporting evidence is limited at this time, the clinical significance of this alteration remains unclear.

GeneDx
Classification: Uncertain significance. Last evaluated: 2019-10-02. Review status: criteria provided, single submitter. Criteria: GeneDx Variant Classification Process June 2021. Collection method: clinical testing. Allele origin: germline. Affected: yes.
Comment: Not observed in large population cohorts (Lek 2016); In silico analysis, which includes protein predictors and evolutionary conservation, supports that this variant does not alter protein structure/function; Has not been previously published as pathogenic or benign to our knowledge